The following is an entry in ClinVar:

ClinVar aggregate classification (germline): Benign (0 of 4 stars; one submission).

Conditions:
EFCAB5-related disorder. Also called: EFCAB5-related condition.

Allele frequency attached by ClinVar (database versions not stated): ExAC 0.00127; ESP Exome Variant Server 0.00396; 1000 Genomes Project 0.00399; gnomAD 0.00437; 1000 Genomes Project 30x 0.00453; TOPMed 0.00488.
gnomAD v4.1: 1,253 of 1,613,788 alleles (0.078%); highest among the groups gnomAD compares: African/African-American, 1.4%; 9 homozygotes.

Submission:

PreventionGenetics, part of Exact Sciences
Classification: Benign for EFCAB5-related condition. Last evaluated: 2019-06-06. Review status: no assertion criteria provided. Collection method: clinical testing. Allele origin: germline.
Comment: This variant is classified as benign based on ACMG/AMP sequence variant interpretation guidelines (Richards et al. 2015 PMID: 25741868, with internal and published modifications).

NM_198529.4(EFCAB5):c.550C>A (p.Pro184Thr)

Gene: EFCAB5 (EF-hand calcium binding domain 5; plus strand). Cytogenetic location: 17q11.2.
Variant type: single nucleotide variant.
Coding change: c.550C>A on transcript NM_198529.4 (MANE Select); coding-DNA position 550, C replaced by A.
Protein change: p.Pro184Thr; replaces proline 184 with threonine.
Molecular consequence: missense variant. On other transcripts: non-coding transcript variant (1).
Genome position (GRCh38, 1-based): chr17:29,969,150, C>A. VCF-style: chr17-29969150-C-A. GRCh37 (hg19) VCF-style: chr17-28296168-C-A.
Other names: c.382C>A, p.Pro128Thr (NM_001145053.2); short protein forms P128T, P184T.
Identifiers: ClinVar variation 3043607 (VCV003043607.2), dbSNP rs143150190, ClinGen allele CA8478585.